The following is an entry in ClinVar:

NM_001845.6(COL4A1):c.85-11T>C

Gene: COL4A1 (collagen type IV alpha 1 chain; minus strand). Cytogenetic location: 13q34.
Variant type: single nucleotide variant.
Coding change: c.85-11T>C on transcript NM_001845.6 (MANE Select); 11 bases into the intron before coding-DNA position 85, T replaced by C.
Molecular consequence: intron variant.
Genome position (GRCh38, 1-based): chr13:110,242,745, A>G on the plus strand (T>C on the coding strand, the complement: COL4A1 is on the minus strand). VCF-style: chr13-110242745-A-G. GRCh37 (hg19) VCF-style: chr13-110895092-A-G.
Other names: c.85-11T>C (NM_001303110.2).
Identifiers: ClinVar variation 258264 (VCV000258264.24), dbSNP rs41275104, ClinGen allele CA7048671.

ClinVar aggregate classification (germline): Benign. Review status: criteria provided, multiple submitters, no conflicts (2 of 4 stars). 9 submissions from 8 submitters: Benign (7). 2 of the submissions do not count toward it. Last evaluated 2026-02-04.

Conditions:
Autosomal dominant familial hematuria-retinal arteriolar tortuosity-contractures syndrome. Also called: Angiopathy, hereditary, with nephropathy, aneurysms, and muscle cramps; Hereditary Angiopathy with Nephropathy, Aneurysms, and Muscle Cramps (HANAC) Syndrome. Identifiers: Orphanet 73229, MedGen C2673195, MONDO:0012726, OMIM 611773.
Brain small vessel disease 1 with or without ocular anomalies (BSVD1). Also called: BRAIN SMALL VESSEL DISEASE WITH HEMORRHAGE; PORENCEPHALY, TYPE 1, AUTOSOMAL DOMINANT; GOULD SYNDROME 1; Brain small vessel disease with or without ocular anomalies. Identifiers: Orphanet 2940, Orphanet 36383, Orphanet 99810, MedGen C4755307, MONDO:0008289, OMIM 175780.

Allele frequency attached by ClinVar (database versions not stated): gnomAD exomes 0.17819 and 0.19899; 1000 Genomes Project 0.18990; ExAC 0.19072; 1000 Genomes Project 30x 0.19379; gnomAD 0.22227 and 0.22726; TOPMed 0.22763; ESP Exome Variant Server 0.25588.
gnomAD v4.1: 324,678 of 1,613,186 alleles (20%); highest among the groups gnomAD compares: African/African-American, 36%; 35,354 homozygotes.

Submissions (14):

Labcorp Genetics (formerly Invitae), Labcorp
Classification: Benign. Last evaluated: 2026-02-04. Review status: criteria provided, single submitter. Criteria: Invitae Variant Classification Sherloc (09022015). Collection method: clinical testing. Allele origin: germline.

Blueprint Genetics
Classification: Benign. Last evaluated: 2024-11-27. Review status: criteria provided, single submitter. Criteria: ACMG Guidelines, 2015. Collection method: clinical testing. Allele origin: germline.

Illumina Laboratory Services, Illumina
Classification: Benign for Autosomal dominant familial hematuria-retinal arteriolar tortuosity-contractures syndrome. Last evaluated: 2018-01-13. Review status: criteria provided, single submitter. Criteria: ICSL Variant Classification Criteria 13 December 2019. Collection method: clinical testing. Allele origin: germline.
Comment: This variant was observed in the ICSL laboratory as part of a predisposition screen in an ostensibly healthy population. It had not been previously curated by ICSL or reported in the Human Gene Mutation Database (HGMD: prior to June 1st, 2018), and was therefore a candidate for classification through an automated scoring system. Utilizing variant allele frequency, disease prevalence and penetrance estimates, and inheritance mode, an automated score was calculated to assess if this variant is too frequent to cause the disease. Based on the score and internal cut-off values, a variant classified as benign is not then subjected to further curation. The score for this variant resulted in a classification of benign for this disease.

Illumina Laboratory Services, Illumina
Classification: Benign for Brain small vessel disease 1 with or without ocular anomalies. Last evaluated: 2018-01-13. Review status: criteria provided, single submitter. Criteria: ICSL Variant Classification Criteria 13 December 2019. Collection method: clinical testing. Allele origin: germline.
Comment: the same text as in the submission from Illumina Laboratory Services, Illumina above.

GeneDx
Classification: Benign. Last evaluated: 2017-11-14. Review status: criteria provided, single submitter. Criteria: GeneDx Variant Classification (06012015). Collection method: clinical testing. Allele origin: germline. Affected: yes.
Comment: This variant is considered likely benign or benign based on one or more of the following criteria: it is a conservative change, it occurs at a poorly conserved position in the protein, it is predicted to be benign by multiple in silico algorithms, and/or has population frequency not consistent with disease.

Breakthrough Genomics
Classification: Benign. Review status: criteria provided, single submitter. Criteria: ACMG Guidelines, 2015. Collection method: not provided. Allele origin: germline. Inheritance: Autosomal dominant inheritance. Affected: yes.

PreventionGenetics, part of Exact Sciences
Classification: Benign. Review status: criteria provided, single submitter. Criteria: ACMG Guidelines, 2015. Collection method: clinical testing. Allele origin: germline.

Clinical Genetics DNA and cytogenetics Diagnostics Lab, Erasmus MC, Erasmus Medical Center
Classification: Benign. Review status: no assertion criteria provided. Collection method: clinical testing. Allele origin: germline. Affected: yes. Study: VKGL Data-share Consensus. Not counted in ClinVar's aggregate classification.

Dr. Peter K. Rogan Lab, Western University
No classification provided (evidence only). Condition: Familial cancer of breast. Review status: no classification provided. Collection method: in vitro. Allele origin: not applicable. Functional consequence: retained intron. Not counted in ClinVar's aggregate classification.

Dr. Peter K. Rogan Lab, Western University
No classification provided (evidence only). Condition: Familial cancer of breast. Review status: no classification provided. Collection method: in vitro. Allele origin: not applicable. Functional consequence: skipped exon. Not counted in ClinVar's aggregate classification.

Dr. Peter K. Rogan Lab, Western University
No classification provided (evidence only). Condition: Uterine carcinosarcoma. Review status: no classification provided. Collection method: in vitro. Allele origin: not applicable. Functional consequence: retained intron. Not counted in ClinVar's aggregate classification.

Dr. Peter K. Rogan Lab, Western University
No classification provided (evidence only). Condition: Uterine carcinosarcoma. Review status: no classification provided. Collection method: in vitro. Allele origin: not applicable. Functional consequence: retained intron. Not counted in ClinVar's aggregate classification.

Dr. Peter K. Rogan Lab, Western University
No classification provided (evidence only). Condition: Uterine carcinosarcoma. Review status: no classification provided. Collection method: in vitro. Allele origin: not applicable. Functional consequence: retained intron. Not counted in ClinVar's aggregate classification.

Joint Genome Diagnostic Labs from Nijmegen and Maastricht, Radboudumc and MUMC+
Classification: Benign. Review status: no assertion criteria provided. Collection method: clinical testing. Allele origin: germline. Affected: yes. Study: VKGL Data-share Consensus. Not counted in ClinVar's aggregate classification.